The following is an entry in ClinVar:

ClinVar aggregate classification (germline): Uncertain significance. Review status: criteria provided, multiple submitters, no conflicts (2 of 4 stars). 2 submissions from 2 submitters: Uncertain significance (2). Last evaluated 2026-04-24.

Conditions:
NRP2-related disorder. Also called: NRP2-related condition.

Allele frequency attached by ClinVar (database versions not stated): TOPMed below 0.00001; gnomAD 0.00001.
gnomAD v4.1: 13 of 1,614,096 alleles (0.00081%); highest among the groups gnomAD compares: Middle Eastern, 0.016%; no homozygotes.

Submissions (2):

PreventionGenetics, part of Exact Sciences
Classification: Uncertain significance for NRP2-related condition. Last evaluated: 2026-04-24. Review status: criteria provided, single submitter. Criteria: ACMG Guidelines, 2015. Collection method: clinical testing. Allele origin: germline.
Comment: The NRP2 c.2131C>G variant is predicted to result in the amino acid substitution p.Arg711Gly. To our knowledge, this variant has not been reported in the literature. This variant is reported in 0.0033% of alleles in individuals of South Asian descent in gnomAD. At this time, the clinical significance of this variant is uncertain due to the absence of conclusive functional and genetic evidence.

Ambry Genetics
Classification: Uncertain significance. Last evaluated: 2022-05-04. Review status: criteria provided, single submitter. Criteria: Ambry Variant Classification Scheme 2023. Collection method: clinical testing. Allele origin: germline.

NM_003872.3(NRP2):c.2131C>G (p.Arg711Gly)

Gene: NRP2 (neuropilin 2; plus strand). Cytogenetic location: 2q33.3.
Variant type: single nucleotide variant.
Coding change: c.2131C>G on transcript NM_003872.3 (MANE Select); coding-DNA position 2131, C replaced by G.
Protein change: p.Arg711Gly; replaces arginine 711 with glycine.
Molecular consequence: missense variant.
Genome position (GRCh38, 1-based): chr2:205,763,760, C>G. VCF-style: chr2-205763760-C-G. GRCh37 (hg19) VCF-style: chr2-206628484-C-G.
Other names: c.2131C>G, p.Arg711Gly (NM_018534.4, NM_201266.2, NM_201267.2 and 1 more transcripts); short protein forms R711G.
Identifiers: ClinVar variation 2216063 (VCV002216063.3), dbSNP rs1448831947, ClinGen allele CA350035787.